The following is an entry in ClinVar:

NM_004055.5(CAPN5):c.91del (p.Leu31fs)

Gene: CAPN5 (calpain 5; plus strand). Cytogenetic location: 11q13.5.
Variant type: Deletion.
Coding change: c.91del on transcript NM_004055.5 (MANE Select); coding-DNA position 91, one base deleted (C; older notation c.91delC).
Protein change: p.Leu31fs; shifts the reading frame from leucine 31.
Molecular consequence: frameshift variant.
Genome position (GRCh38, 1-based): chr11:77,084,977, C deleted; the last of 5 consecutive C bases (chr11:77,084,973-77,084,977); deleting any one gives the same sequence. VCF-style (leftmost placement, unchanged base first): chr11-77084972-AC-A. GRCh37 (hg19) VCF-style: chr11-76796018-AC-A.
Other names: c.91del (NM_004055.4); short protein forms L31fs.
Identifiers: ClinVar variation 1466241 (VCV001466241.10), dbSNP rs781925553, ClinGen allele CA6196099.

ClinVar aggregate classification (germline): Uncertain significance. Review status: criteria provided, multiple submitters, no conflicts (2 of 4 stars). 3 submissions from 3 submitters: Uncertain significance (2). 1 of the submissions does not count toward it. Last evaluated 2025-09-09.

Conditions:
Retinal dystrophy. Also called: Inherited retinal dystrophy. Identifiers: Orphanet 71862, MedGen C0854723, MeSH D058499, MONDO:0019118, HP:0000556.
Late-onset cone-rod dystrophy.

Submissions (3):

Labcorp Genetics (formerly Invitae), Labcorp
Classification: Uncertain significance. Last evaluated: 2025-09-09. Review status: criteria provided, single submitter. Criteria: Invitae Variant Classification Sherloc (09022015). Collection method: clinical testing. Allele origin: germline.
Comment: This sequence change creates a premature translational stop signal (p.Leu31Serfs*132) in the CAPN5 gene. It is expected to result in an absent or disrupted protein product. However, the current clinical and genetic evidence is not sufficient to establish whether loss-of-function variants in CAPN5 cause disease. The frequency data for this variant in the population databases is considered unreliable, as metrics indicate poor data quality at this position in the gnomAD database. This premature translational stop signal has been observed in individual(s) with clinical features CAPN5-related conditions (PMID: 37734845). ClinVar contains an entry for this variant (Variation ID: 1466241). In summary, the available evidence is currently insufficient to determine the role of this variant in disease. Therefore, it has been classified as a Variant of Uncertain Significance.

Lab De Baere, Eye and Developmental Genetics Lab, Ghent University
Classification: Uncertain significance for Late-onset cone-rod dystrophy. Last evaluated: 2024-10-01. Review status: criteria provided, single submitter. Criteria: ACMG Guidelines, 2015. Collection method: research. Allele origin: inherited. Affected: yes. Observed: 1 variant allele.
Comment: ACMG/AMP guidelines: PM2_PP, PP1

Institute of Human Genetics, Univ. Regensburg, Univ. Regensburg
Classification: Uncertain significance for Retinal dystrophy. Last evaluated: 2020-01-01. Review status: no assertion criteria provided. Criteria: ACMG Guidelines, 2015. Collection method: clinical testing. Allele origin: germline. Affected: yes. Not counted in ClinVar's aggregate classification.

Literature cited by the submitters: PubMed 37734845 (cited by Labcorp Genetics (formerly Invitae), Labcorp).